The following is an entry in ClinVar:

ClinVar aggregate classification (germline): Conflicting classifications of pathogenicity. Review status: criteria provided, conflicting classifications (1 of 4 stars). 5 submissions from 5 submitters: Uncertain significance (1); Likely benign (2). 2 of the submissions do not count toward it. Last evaluated 2026-01-18.

Conditions:
VPS13B-related disorder. Also called: VPS13B-related condition.
Cohen syndrome (COH1). Also called: Cutis verticis gyrata, retinitis pigmentosa, and sensorineural deafness; PEPPER SYNDROME. Identifiers: Orphanet 193, MedGen C0265223, MONDO:0008999, OMIM 216550.
Inborn genetic diseases. Identifiers: MedGen C0950123, MeSH D030342.

Allele frequency attached by ClinVar (database versions not stated): gnomAD 0.00004; gnomAD exomes 0.00014 and 0.00029; TOPMed 0.00017; ExAC 0.00037.
gnomAD v4.1: 97 of 1,614,072 alleles (0.006%); highest among the groups gnomAD compares: Admixed American, 0.15%; 2 homozygotes.

Submissions (5):

Labcorp Genetics (formerly Invitae), Labcorp
Classification: Likely benign for Cohen syndrome. Last evaluated: 2026-01-18. Review status: criteria provided, single submitter. Criteria: Invitae Variant Classification Sherloc (09022015). Collection method: clinical testing. Allele origin: germline.

Blueprint Genetics
Classification: Likely benign. Last evaluated: 2023-06-12. Review status: criteria provided, single submitter. Criteria: ACMG Guidelines, 2015. Collection method: clinical testing. Allele origin: germline.

Ambry Genetics
Classification: Uncertain significance for Inborn genetic diseases. Last evaluated: 2017-12-15. Review status: criteria provided, single submitter. Criteria: Ambry Variant Classification Scheme 2023. Collection method: clinical testing. Allele origin: germline.
Comment: The p.S3462F variant (also known as c.10385C>T), located in coding exon 55 of the VPS13B gene, results from a C to T substitution at nucleotide position 10385. The serine at codon 3462 is replaced by phenylalanine, an amino acid with highly dissimilar properties. This amino acid position is well conserved in available vertebrate species. In addition, this alteration is predicted to be deleterious by in silico analysis. Since supporting evidence is limited at this time, the clinical significance of this alteration remains unclear.

PreventionGenetics, part of Exact Sciences
Classification: Likely benign for VPS13B-related condition. Last evaluated: 2022-02-09. Review status: no assertion criteria provided. Collection method: clinical testing. Allele origin: germline. Not counted in ClinVar's aggregate classification.
Comment: This variant is classified as likely benign based on ACMG/AMP sequence variant interpretation guidelines (Richards et al. 2015 PMID: 25741868, with internal and published modifications).

Natera, Inc.
Classification: Benign for Cohen syndrome. Last evaluated: 2019-10-29. Review status: no assertion criteria provided. Collection method: clinical testing. Allele origin: germline. Not counted in ClinVar's aggregate classification.

NM_152564.5(VPS13B):c.10310C>T (p.Ser3437Phe)

Gene: VPS13B (vacuolar protein sorting 13 homolog B; plus strand). Cytogenetic location: 8q22.2.
Variant type: single nucleotide variant.
Coding change: c.10310C>T on transcript NM_152564.5 (MANE Select); coding-DNA position 10310, C replaced by T.
Protein change: p.Ser3437Phe; replaces serine 3437 with phenylalanine.
Molecular consequence: missense variant.
Genome position (GRCh38, 1-based): chr8:99,853,699, C>T. VCF-style: chr8-99853699-C-T. GRCh37 (hg19) VCF-style: chr8-100865927-C-T.
Other names: c.10385C>T, p.Ser3462Phe (NM_017890.5); c.10385C>T (NM_017890.3); c.10310C>T (NM_152564.4); short protein forms S3437F, S3462F.
Identifiers: ClinVar variation 707697 (VCV000707697.18), dbSNP rs200268089, ClinGen allele CA4824928.